The following is an entry in ClinVar:

NM_001939.3(DRP2):c.640A>G (p.Lys214Glu)

Gene: DRP2 (dystrophin related protein 2; plus strand). Cytogenetic location: Xq22.1.
Variant type: single nucleotide variant.
Coding change: c.640A>G on transcript NM_001939.3 (MANE Select); coding-DNA position 640, A replaced by G.
Protein change: p.Lys214Glu; replaces lysine 214 with glutamic acid.
Molecular consequence: missense variant.
Genome position (GRCh38, 1-based): chrX:101,241,748, A>G. VCF-style: chrX-101241748-A-G. GRCh37 (hg19) VCF-style: chrX-100496737-A-G.
Other names: c.406A>G, p.Lys136Glu (NM_001171184.2); c.640A>G (NM_001939.2); short protein forms K214E, K136E.
Identifiers: ClinVar variation 3000809 (VCV003000809.4), dbSNP rs978457348, ClinGen allele CA333089784.

ClinVar aggregate classification (germline): Uncertain significance. Review status: criteria provided, multiple submitters, no conflicts (2 of 4 stars). 2 submissions from 2 submitters: Uncertain significance (2). Last evaluated 2025-08-05.

Allele frequency attached by ClinVar (database versions not stated): gnomAD exomes below 0.00001; gnomAD 0.00002; TOPMed 0.00002.

Submissions (2):

Ambry Genetics
Classification: Uncertain significance. Last evaluated: 2025-08-05. Review status: criteria provided, single submitter. Criteria: Ambry Variant Classification Scheme 2023. Collection method: clinical testing. Allele origin: germline.

Labcorp Genetics (formerly Invitae), Labcorp
Classification: Uncertain significance. Last evaluated: 2024-01-25. Review status: criteria provided, single submitter. Criteria: Invitae Variant Classification Sherloc (09022015). Collection method: clinical testing. Allele origin: germline.
Comment: This sequence change replaces lysine, which is basic and polar, with glutamic acid, which is acidic and polar, at codon 214 of the DRP2 protein (p.Lys214Glu). This variant is present in population databases (no rsID available, gnomAD 0.001%). This variant has not been reported in the literature in individuals affected with DRP2-related conditions. Advanced modeling of protein sequence and biophysical properties (such as structural, functional, and spatial information, amino acid conservation, physicochemical variation, residue mobility, and thermodynamic stability) performed at Invitae indicates that this missense variant is not expected to disrupt DRP2 protein function with a negative predictive value of 80%. In summary, the available evidence is currently insufficient to determine the role of this variant in disease. Therefore, it has been classified as a Variant of Uncertain Significance.